The following is an entry in ClinVar:

ClinVar aggregate classification (germline): Uncertain significance (1 of 4 stars; one submission).

Conditions:
Familial hemophagocytic lymphohistiocytosis 5. Also called: STXBP2-Related Familial Hemophagocytic Lymphohistiocytosis (STXBP2-fHLH). Identifiers: Orphanet 540, MedGen C2751293, MONDO:0013135, OMIM 613101.

Allele frequency attached by ClinVar (database versions not stated): gnomAD exomes below 0.00001; TOPMed below 0.00001; gnomAD 0.00001.

Submission:

Labcorp Genetics (formerly Invitae), Labcorp
Classification: Uncertain significance for Familial hemophagocytic lymphohistiocytosis 5. Last evaluated: 2024-10-16. Review status: criteria provided, single submitter. Criteria: Invitae Variant Classification Sherloc (09022015). Collection method: clinical testing. Allele origin: germline.
Comment: This sequence change replaces glutamic acid, which is acidic and polar, with glycine, which is neutral and non-polar, at codon 224 of the STXBP2 protein (p.Glu224Gly). This variant is present in population databases (no rsID available, gnomAD 0.007%). This variant has not been reported in the literature in individuals affected with STXBP2-related conditions. ClinVar contains an entry for this variant (Variation ID: 1949277). Invitae Evidence Modeling of protein sequence and biophysical properties (such as structural, functional, and spatial information, amino acid conservation, physicochemical variation, residue mobility, and thermodynamic stability) indicates that this missense variant is not expected to disrupt STXBP2 protein function with a negative predictive value of 95%. In summary, the available evidence is currently insufficient to determine the role of this variant in disease. Therefore, it has been classified as a Variant of Uncertain Significance.

NM_006949.4(STXBP2):c.671A>G (p.Glu224Gly)

Gene: STXBP2 (syntaxin binding protein 2; plus strand). Cytogenetic location: 19p13.2.
Variant type: single nucleotide variant.
Coding change: c.671A>G on transcript NM_006949.4 (MANE Select); coding-DNA position 671, A replaced by G.
Protein change: p.Glu224Gly; replaces glutamic acid 224 with glycine.
Molecular consequence: missense variant. On other transcripts: non-coding transcript variant (1).
Genome position (GRCh38, 1-based): chr19:7,642,210, A>G. VCF-style: chr19-7642210-A-G. GRCh37 (hg19) VCF-style: chr19-7707096-A-G.
Other names: c.662A>G, p.Glu221Gly (NM_001127396.3); c.704A>G, p.Glu235Gly (NM_001272034.2); c.575A>G, p.Glu192Gly (NM_001414484.1); short protein forms E221G, E224G, E235G, E192G.
Identifiers: ClinVar variation 1949277 (VCV001949277.4), dbSNP rs1459457324, ClinGen allele CA403158718.
Genomic context (GRCh38, chr19:7,642,210, plus strand): 5'-GCCCCAACCGGCTCAGGGTCAGTGCCTCATTCCTGCCCTAAACCCCACCCCAGGGCCCAG[A>G]GAAAACCCGCTCCCAGCTGCTGATAATGGACCGGGCAGCTGACCCCGTGTCCCCACTACT-3'
Protein context (NP_008880.2, residues 214-234): ADTPSLGEGP[Glu224Gly]KTRSQLLIMD